The following is an entry in ClinVar:

NM_004525.3(LRP2):c.6833C>T (p.Pro2278Leu)

Gene: LRP2 (LDL receptor related protein 2; minus strand). Cytogenetic location: 2q31.1.
Variant type: single nucleotide variant.
Coding change: c.6833C>T on transcript NM_004525.3 (MANE Select); coding-DNA position 6833, C replaced by T.
Protein change: p.Pro2278Leu; replaces proline 2278 with leucine.
Molecular consequence: missense variant.
Genome position (GRCh38, 1-based): chr2:169,206,887, G>A on the plus strand (C>T on the coding strand, the complement: LRP2 is on the minus strand). VCF-style: chr2-169206887-G-A. GRCh37 (hg19) VCF-style: chr2-170063397-G-A.
Other names: short protein forms P2278L.
Identifiers: ClinVar variation 2028241 (VCV002028241.3), dbSNP rs1229303365, ClinGen allele CA349172299.

ClinVar aggregate classification (germline): Uncertain significance (1 of 4 stars; one submission).

Allele frequency attached by ClinVar (database versions not stated): gnomAD 0.00001; TOPMed 0.00001.
gnomAD v4.1: 1 of 1,614,048 alleles (0.000062%); highest among the groups gnomAD compares: African/African-American, 0.0013%; no homozygotes.

Submission:

Labcorp Genetics (formerly Invitae), Labcorp
Classification: Uncertain significance. Last evaluated: 2022-11-22. Review status: criteria provided, single submitter. Criteria: Invitae Variant Classification Sherloc (09022015). Collection method: clinical testing. Allele origin: germline.
Comment: Advanced modeling of protein sequence and biophysical properties (such as structural, functional, and spatial information, amino acid conservation, physicochemical variation, residue mobility, and thermodynamic stability) performed at Invitae indicates that this missense variant is expected to disrupt LRP2 protein function. In summary, the available evidence is currently insufficient to determine the role of this variant in disease. Therefore, it has been classified as a Variant of Uncertain Significance. This variant has not been reported in the literature in individuals affected with LRP2-related conditions. This variant is not present in population databases (gnomAD no frequency). This sequence change replaces proline, which is neutral and non-polar, with leucine, which is neutral and non-polar, at codon 2278 of the LRP2 protein (p.Pro2278Leu).